The following is an entry in ClinVar:

ClinVar aggregate classification (germline): Uncertain significance. Review status: criteria provided, single submitter (1 of 4 stars). 2 submissions from 2 submitters: Uncertain significance (1). 1 of the submissions does not count toward it. Last evaluated 2022-06-24.

Conditions:
PLXNA2-related disorder. Also called: PLXNA2-related condition.

gnomAD v4.1: 48 of 1,614,030 alleles (0.003%); highest among the groups gnomAD compares: Non-Finnish European, 0.0039%; no homozygotes.

Submissions (2):

Ambry Genetics
Classification: Uncertain significance. Last evaluated: 2022-06-24. Review status: criteria provided, single submitter. Criteria: Ambry Variant Classification Scheme 2023. Collection method: clinical testing. Allele origin: germline.

PreventionGenetics, part of Exact Sciences
Classification: Uncertain significance for PLXNA2-related condition. Last evaluated: 2023-11-21. Review status: no assertion criteria provided. Collection method: clinical testing. Allele origin: germline. Not counted in ClinVar's aggregate classification.
Comment: The PLXNA2 c.1829A>T variant is predicted to result in the amino acid substitution p.Gln610Leu. To our knowledge, this variant has not been reported in the literature. This variant is reported in 0.0016% of alleles in individuals of European (Non-Finnish) descent in gnomAD. At this time, the clinical significance of this variant is uncertain due to the absence of conclusive functional and genetic evidence.

NM_025179.4(PLXNA2):c.1829A>T (p.Gln610Leu)

Gene: PLXNA2 (plexin A2; minus strand). Cytogenetic location: 1q32.2.
Variant type: single nucleotide variant.
Coding change: c.1829A>T on transcript NM_025179.4 (MANE Select); coding-DNA position 1829, A replaced by T.
Protein change: p.Gln610Leu; replaces glutamine 610 with leucine.
Molecular consequence: missense variant.
Genome position (GRCh38, 1-based): chr1:208,096,786, T>A on the plus strand (A>T on the coding strand, the complement: PLXNA2 is on the minus strand). VCF-style: chr1-208096786-T-A. GRCh37 (hg19) VCF-style: chr1-208270131-T-A.
Other names: short protein forms Q610L.
Identifiers: ClinVar variation 2409150 (VCV002409150.3), dbSNP rs749487475, ClinGen allele CA1373711.